The following is an entry in ClinVar:

ClinVar aggregate classification (germline): Uncertain significance. Review status: criteria provided, multiple submitters, no conflicts (2 of 4 stars). 2 submissions from 2 submitters: Uncertain significance (2). Last evaluated 2025-05-27.

Conditions:
Hereditary spastic paraplegia 11. Also called: SPASTIC PARAPLEGIA, AUTOSOMAL RECESSIVE, COMPLICATED, WITH THIN CORPUS CALLOSUM; SPASTIC PARAPLEGIA, AUTOSOMAL RECESSIVE, WITH MENTAL IMPAIRMENT AND THIN CORPUS CALLOSUM; Spastic paraplegia, mental retardation and thin corpus callosum; Nakamura Osame syndrome; Autosomal recessive hereditary spastic paraplegia, mental impairment, and thin corpus callosum; Spastic Paraplegia 11. Identifiers: Orphanet 2822, MedGen C1858479, MONDO:0011445, OMIM 604360.

Allele frequency attached by ClinVar (database versions not stated): ExAC 0.00003; gnomAD exomes 0.00003.
gnomAD v4.1: 48 of 1,613,976 alleles (0.003%); highest among the groups gnomAD compares: South Asian, 0.049%; no homozygotes.

Submissions (2):

Women's Health and Genetics/Laboratory Corporation of America, LabCorp
Classification: Uncertain significance. Last evaluated: 2025-05-27. Review status: criteria provided, single submitter. Criteria: LabCorp Variant Classification Summary - May 2015. Collection method: clinical testing. Allele origin: germline.
Comment: Variant summary: SPG11 c.2917G>C (p.Asp973His) results in a non-conservative amino acid change in the encoded protein sequence. Algorithms developed to predict the effect of missense changes on protein structure and function are either unavailable or do not agree on the potential impact of this missense change. The variant allele was found at a frequency of 3.2e-05 in 251318 control chromosomes. The available data on variant occurrences in the general population are insufficient to allow any conclusion about variant significance. c.2917G>C has been observed in an individual from a neuropsychiatric syndrome cohort (Ganesh_2019). This report does not provide unequivocal conclusions about association of the variant with Hereditary spastic paraplegia 11. To our knowledge, no experimental evidence demonstrating an impact on protein function has been reported. The following publication has been ascertained in the context of this evaluation (PMID: 30367527). ClinVar contains an entry for this variant (Variation ID: 659510). Based on the evidence outlined above, the variant was classified as uncertain significance.

Labcorp Genetics (formerly Invitae), Labcorp
Classification: Uncertain significance for Hereditary spastic paraplegia 11. Last evaluated: 2021-11-20. Review status: criteria provided, single submitter. Criteria: Invitae Variant Classification Sherloc (09022015). Collection method: clinical testing. Allele origin: germline.
Comment: This sequence change replaces aspartic acid, which is acidic and polar, with histidine, which is basic and polar, at codon 973 of the SPG11 protein (p.Asp973His). This variant is present in population databases (rs746774397, gnomAD 0.02%). This variant has not been reported in the literature in individuals affected with SPG11-related conditions. ClinVar contains an entry for this variant (Variation ID: 659510). Algorithms developed to predict the effect of missense changes on protein structure and function are either unavailable or do not agree on the potential impact of this missense change (SIFT: "Tolerated"; PolyPhen-2: "Probably Damaging"; Align-GVGD: "Class C0"). In summary, the available evidence is currently insufficient to determine the role of this variant in disease. Therefore, it has been classified as a Variant of Uncertain Significance.

Literature cited by the submitters: PubMed 30367527 (cited by Women's Health and Genetics/Laboratory Corporation of America, LabCorp).

NM_025137.4(SPG11):c.2917G>C (p.Asp973His)

Gene: SPG11 (SPG11 vesicle trafficking associated, spatacsin; minus strand). Cytogenetic location: 15q21.1.
Variant type: single nucleotide variant.
Coding change: c.2917G>C on transcript NM_025137.4 (MANE Select); coding-DNA position 2917, G replaced by C.
Protein change: p.Asp973His; replaces aspartic acid 973 with histidine.
Molecular consequence: missense variant.
Genome position (GRCh38, 1-based): chr15:44,615,484, C>G on the plus strand (G>C on the coding strand, the complement: SPG11 is on the minus strand). VCF-style: chr15-44615484-C-G. GRCh37 (hg19) VCF-style: chr15-44907682-C-G.
Other names: c.2917G>C, p.Asp973His (NM_001160227.2); short protein forms D973H.
Identifiers: ClinVar variation 659510 (VCV000659510.7), dbSNP rs746774397, ClinGen allele CA7535103.